The following is an entry in ClinVar:

NM_002528.7(NTHL1):c.364T>C (p.Tyr122His)

Gene: NTHL1 (nth like DNA glycosylase 1; minus strand). Cytogenetic location: 16p13.3.
Variant type: single nucleotide variant.
Coding change: c.364T>C on transcript NM_002528.7 (MANE Select); coding-DNA position 364, T replaced by C.
Protein change: p.Tyr122His; replaces tyrosine 122 with histidine.
Molecular consequence: missense variant. On other transcripts: intron variant (1).
Genome position (GRCh38, 1-based): chr16:2,044,791, A>G on the plus strand (T>C on the coding strand, the complement: NTHL1 is on the minus strand). VCF-style: chr16-2044791-A-G. GRCh37 (hg19) VCF-style: chr16-2094792-A-G.
Other names: c.34T>C, p.Tyr12His (NM_001318194.2); c.355-1065T>C (NM_001318193.2); c.388T>C (NM_002528.5); short protein forms Y12H, Y122H.
Identifiers: ClinVar variation 2786312 (VCV002786312.4), dbSNP rs1162307066, ClinGen allele CA394294773.

ClinVar aggregate classification (germline): Uncertain significance. Review status: criteria provided, multiple submitters, no conflicts (2 of 4 stars). 2 submissions from 2 submitters: Uncertain significance (2). Last evaluated 2026-07-07.

Conditions:
Hereditary cancer-predisposing syndrome. Also called: Hereditary Cancer Syndrome; Hereditary neoplastic syndrome; Neoplastic Syndromes, Hereditary; Tumor predisposition. Identifiers: Orphanet 140162, MedGen C0027672, MeSH D009386, MONDO:0015356.

Allele frequency attached by ClinVar (database versions not stated): TOPMed below 0.00001; gnomAD 0.00001.
gnomAD v4.1: 1 of 1,604,166 alleles (0.000062%); highest among the groups gnomAD compares: African/African-American, 0.0013%; no homozygotes.

Submissions (2):

Ambry Genetics
Classification: Uncertain significance for Hereditary cancer-predisposing syndrome. Last evaluated: 2026-07-07. Review status: criteria provided, single submitter. Criteria: Ambry Variant Classification Scheme 2023. Collection method: clinical testing. Allele origin: germline.
Comment: The p.Y130H variant (also known as c.388T>C), located in coding exon 3 of the NTHL1 gene, results from a T to C substitution at nucleotide position 388. The tyrosine at codon 130 is replaced by histidine, an amino acid with similar properties. This amino acid position is conserved. In addition, this alteration is predicted to be deleterious by in silico analysis. Based on the available evidence, the clinical significance of this variant remains unclear.

Labcorp Genetics (formerly Invitae), Labcorp
Classification: Uncertain significance. Last evaluated: 2023-10-10. Review status: criteria provided, single submitter. Criteria: Invitae Variant Classification Sherloc (09022015). Collection method: clinical testing. Allele origin: germline.
Comment: This sequence change replaces tyrosine, which is neutral and polar, with histidine, which is basic and polar, at codon 130 of the NTHL1 protein (p.Tyr130His). This variant is not present in population databases (gnomAD no frequency). This variant has not been reported in the literature in individuals affected with NTHL1-related conditions. An algorithm developed to predict the effect of missense changes on protein structure and function (PolyPhen-2) suggests that this variant is likely to be disruptive. In summary, the available evidence is currently insufficient to determine the role of this variant in disease. Therefore, it has been classified as a Variant of Uncertain Significance.